The following is an entry in ClinVar:

ClinVar aggregate classification (germline): Uncertain significance (1 of 4 stars; one submission).

gnomAD v4.1: 27 of 1,584,314 alleles (0.0017%); highest among the groups gnomAD compares: Non-Finnish European, 0.002%; no homozygotes.

Submission:

Labcorp Genetics (formerly Invitae), Labcorp
Classification: Uncertain significance. Last evaluated: 2024-10-12. Review status: criteria provided, single submitter. Criteria: Invitae Variant Classification Sherloc (09022015). Collection method: clinical testing. Allele origin: germline.
Comment: This sequence change replaces glycine, which is neutral and non-polar, with arginine, which is basic and polar, at codon 275 of the GATA5 protein (p.Gly275Arg). This variant is present in population databases (rs552849600, gnomAD 0.003%). This variant has not been reported in the literature in individuals affected with GATA5-related conditions. An algorithm developed to predict the effect of missense changes on protein structure and function (PolyPhen-2) suggests that this variant is likely to be disruptive. In summary, the available evidence is currently insufficient to determine the role of this variant in disease. Therefore, it has been classified as a Variant of Uncertain Significance.

NM_080473.5(GATA5):c.823G>C (p.Gly275Arg)

Gene: GATA5 (GATA binding protein 5; minus strand). Cytogenetic location: 20q13.33.
Variant type: single nucleotide variant.
Coding change: c.823G>C on transcript NM_080473.5 (MANE Select); coding-DNA position 823, G replaced by C.
Protein change: p.Gly275Arg; replaces glycine 275 with arginine.
Molecular consequence: missense variant.
Genome position (GRCh38, 1-based): chr20:62,466,428, C>G on the plus strand (G>C on the coding strand, the complement: GATA5 is on the minus strand). VCF-style: chr20-62466428-C-G. GRCh37 (hg19) VCF-style: chr20-61041484-C-G.
Other names: short protein forms G275R.
Identifiers: ClinVar variation 3614910 (VCV003614910.2).